The following is an entry in ClinVar:

ClinVar aggregate classification (germline): Uncertain significance (1 of 4 stars; one submission).

Conditions:
COG4-congenital disorder of glycosylation. Also called: COG4-CDG; CONGENITAL DISORDER OF GLYCOSYLATION, TYPE IIj; CDG IIj. Identifiers: Orphanet 263501, MedGen C4303552, MONDO:0013281, OMIM 613489.

gnomAD v4.1: 10 of 1,614,050 alleles (0.00062%); highest among the groups gnomAD compares: Admixed American, 0.0033%; no homozygotes.

Submission:

Labcorp Genetics (formerly Invitae), Labcorp
Classification: Uncertain significance for COG4-congenital disorder of glycosylation. Last evaluated: 2025-10-24. Review status: criteria provided, single submitter. Criteria: Invitae Variant Classification Sherloc (09022015). Collection method: clinical testing. Allele origin: germline.
Comment: This sequence change affects codon 181 of the COG4 mRNA. It is a 'silent' change, meaning that it does not change the encoded amino acid sequence of the COG4 protein. It affects a nucleotide within the consensus splice site. This variant is present in population databases (rs764006022, gnomAD 0.003%). This variant has not been reported in the literature in individuals affected with COG4-related conditions. ClinVar contains an entry for this variant (Variation ID: 3708833). Algorithms developed to predict the effect of sequence changes on RNA splicing suggest that this variant is not likely to affect RNA splicing. In summary, the available evidence is currently insufficient to determine the role of this variant in disease. Therefore, it has been classified as a Variant of Uncertain Significance.

NM_015386.3(COG4):c.543G>A (p.Glu181=)

Gene: COG4 (component of oligomeric golgi complex 4; minus strand). Cytogenetic location: 16q22.1.
Variant type: single nucleotide variant.
Coding change: c.543G>A on transcript NM_015386.3 (MANE Select); coding-DNA position 543, G replaced by A.
Protein change: p.Glu181=; no amino-acid change (glutamic acid 181 retained).
Molecular consequence: synonymous variant. On other transcripts: non-coding transcript variant (1).
Genome position (GRCh38, 1-based): chr16:70,514,336, C>T on the plus strand (G>A on the coding strand, the complement: COG4 is on the minus strand). VCF-style: chr16-70514336-C-T. GRCh37 (hg19) VCF-style: chr16-70548239-C-T.
Other names: c.531G>A, p.Glu177= (NM_001195139.2); c.117G>A, p.Glu39= (NM_001365426.1).
Identifiers: ClinVar variation 3708833 (VCV003708833.2).